The following is an entry in ClinVar:

NM_001306080.2(LMO7):c.2992G>A (p.Gly998Arg)

Gene: LMO7 (LIM domain 7; plus strand). Cytogenetic location: 13q22.2.
Variant type: single nucleotide variant.
Coding change: c.2992G>A on transcript NM_001306080.2 (MANE Select); coding-DNA position 2992, G replaced by A.
Protein change: p.Gly998Arg; replaces glycine 998 with arginine.
Molecular consequence: missense variant.
Genome position (GRCh38, 1-based): chr13:75,833,093, G>A. VCF-style: chr13-75833093-G-A. GRCh37 (hg19) VCF-style: chr13-76407229-G-A.
Other names: c.2293G>A, p.Gly765Arg (NM_001330583.1, NM_001366632.2, NM_015842.2); c.2866G>A, p.Gly956Arg (NM_001366633.2); c.2011G>A, p.Gly671Arg (NM_001366634.2, NM_001366636.2); c.2146G>A, p.Gly716Arg (NM_005358.5); short protein forms G671R, G716R, G765R, G956R, G998R.
Identifiers: ClinVar variation 2628857 (VCV002628857.2), dbSNP rs372046266, ClinGen allele CA7005909.
Genomic context (GRCh38, chr13:75,833,093, plus strand): 5'-TTCATGTTTTGTTTTCAGGATCAGTTCAGTGATATGAGAATCAGCATAAACCAGACGCCT[G>A]GGAAGAGTCTTGACTTTGGGTTTACAATAAAATGGGATATTCCTGGGATCTTCGTAGCAT-3'
Protein context (NP_001293009.1, residues 988-1008): DMRISINQTP[Gly998Arg]KSLDFGFTIK

ClinVar aggregate classification (germline): Uncertain significance. Review status: criteria provided, multiple submitters, no conflicts (2 of 4 stars). 2 submissions from 2 submitters: Uncertain significance (2). Last evaluated 2025-10-14.

Conditions:
LMO7-related disorder. Also called: LMO7-related condition.

Allele frequency attached by ClinVar (database versions not stated): gnomAD exomes below 0.00001; ExAC 0.00001; TOPMed 0.00002; gnomAD 0.00001; ESP Exome Variant Server 0.00008.
gnomAD v4.1: 4 of 1,611,536 alleles (0.00025%); highest among the groups gnomAD compares: African/African-American, 0.0053%; no homozygotes.

Submissions (2):

Ambry Genetics
Classification: Uncertain significance. Last evaluated: 2025-10-14. Review status: criteria provided, single submitter. Criteria: Ambry Variant Classification Scheme 2023. Collection method: clinical testing. Allele origin: germline.

PreventionGenetics, part of Exact Sciences
Classification: Uncertain significance for LMO7-related condition. Last evaluated: 2023-02-06. Review status: criteria provided, single submitter. Criteria: ACMG Guidelines, 2015. Collection method: clinical testing. Allele origin: germline.
Comment: The LMO7 c.2992G>A variant is predicted to result in the amino acid substitution p.Gly998Arg. To our knowledge, this variant has not been reported in the literature or in a large population database, indicating this variant is rare. At this time, the clinical significance of this variant is uncertain due to the absence of conclusive functional and genetic evidence.